The following is an entry in ClinVar:

ClinVar aggregate classification (germline): Likely pathogenic (0 of 4 stars; one submission).

Conditions:
MTTP-related disorder. Also called: MTTP-related condition.

Submission:

PreventionGenetics, part of Exact Sciences
Classification: Likely pathogenic for MTTP-related condition. Last evaluated: 2024-02-29. Review status: no assertion criteria provided. Collection method: clinical testing. Allele origin: germline.
Comment: The MTTP c.1681delC variant is predicted to result in a frameshift and premature protein termination (p.Leu561Cysfs*11). To our knowledge, this variant has not been reported in the literature or in a large population database, indicating this variant is rare. Frameshift variants in MTTP are expected to be pathogenic. This variant is interpreted as likely pathogenic.

NM_001386140.1(MTTP):c.1681del (p.Leu561fs)

Gene: MTTP (microsomal triglyceride transfer protein; plus strand). Cytogenetic location: 4q23.
Variant type: Deletion.
Coding change: c.1681del on transcript NM_001386140.1 (MANE Select); coding-DNA position 1681, one base deleted (C; older notation c.1681delC).
Protein change: p.Leu561fs; shifts the reading frame from leucine 561.
Molecular consequence: frameshift variant.
Genome position (GRCh38, 1-based): chr4:99,608,889, C deleted; the last of 2 consecutive C bases (chr4:99,608,888-99,608,889); deleting either gives the same sequence. VCF-style (leftmost placement, unchanged base first): chr4-99608887-TC-T. GRCh37 (hg19) VCF-style: chr4-100530044-TC-T.
Other names: c.1681del, p.Leu561fs (NM_000253.4); c.1432del, p.Leu478fs (NM_001300785.2); short protein forms L478fs, L561fs.
Identifiers: ClinVar variation 2629592 (VCV002629592.3), dbSNP rs2476141537, ClinGen allele CA2695198503.